The following is an entry in ClinVar:

ClinVar aggregate classification (germline): Uncertain significance (1 of 4 stars; one submission).

Conditions:
Arrhythmogenic right ventricular dysplasia 10. Also called: ARRHYTHMOGENIC RIGHT VENTRICULAR DYSPLASIA, FAMILIAL, 10; Arrhythmogenic right ventricular dysplasia/cardiomyopathy, type 10; Arrhythmogenic Right Ventricular Dysplasia/Cardiomyopathy10. Identifiers: MedGen C1857777, MONDO:0012434, OMIM 610193.

gnomAD v4.1: 2 of 1,614,160 alleles (0.00012%); highest among the groups gnomAD compares: Non-Finnish European, 0.00017%; no homozygotes.

Submission:

Labcorp Genetics (formerly Invitae), Labcorp
Classification: Uncertain significance for Arrhythmogenic right ventricular dysplasia 10. Last evaluated: 2025-03-17. Review status: criteria provided, single submitter. Criteria: Invitae Variant Classification Sherloc (09022015). Collection method: clinical testing. Allele origin: germline.
Comment: This sequence change replaces histidine, which is basic and polar, with glutamine, which is neutral and polar, at codon 523 of the DSG2 protein (p.His523Gln). This variant is not present in population databases (gnomAD no frequency). This variant has not been reported in the literature in individuals affected with DSG2-related conditions. ClinVar contains an entry for this variant (Variation ID: 2709413). Invitae Evidence Modeling of protein sequence and biophysical properties (such as structural, functional, and spatial information, amino acid conservation, physicochemical variation, residue mobility, and thermodynamic stability) indicates that this missense variant is not expected to disrupt DSG2 protein function with a negative predictive value of 95%. In summary, the available evidence is currently insufficient to determine the role of this variant in disease. Therefore, it has been classified as a Variant of Uncertain Significance.

NM_001943.5(DSG2):c.1569C>G (p.His523Gln)

Gene: DSG2 (desmoglein 2; plus strand). Cytogenetic location: 18q12.1.
Variant type: single nucleotide variant.
Coding change: c.1569C>G on transcript NM_001943.5 (MANE Select); coding-DNA position 1569, C replaced by G.
Protein change: p.His523Gln; replaces histidine 523 with glutamine.
Molecular consequence: missense variant.
Genome position (GRCh38, 1-based): chr18:31,536,347, C>G. VCF-style: chr18-31536347-C-G. GRCh37 (hg19) VCF-style: chr18-29116310-C-G.
Other names: short protein forms H523Q.
Identifiers: ClinVar variation 2709413 (VCV002709413.3), dbSNP rs2510917936, ClinGen allele CA402141844.